The following is an entry in ClinVar:

NM_002439.5(MSH3):c.869T>C (p.Leu290Pro)

Gene: MSH3 (mutS homolog 3; plus strand). Cytogenetic location: 5q14.1.
Variant type: single nucleotide variant.
Coding change: c.869T>C on transcript NM_002439.5 (MANE Select); coding-DNA position 869, T replaced by C.
Protein change: p.Leu290Pro; replaces leucine 290 with proline.
Molecular consequence: missense variant.
Genome position (GRCh38, 1-based): chr5:80,672,320, T>C. VCF-style: chr5-80672320-T-C. GRCh37 (hg19) VCF-style: chr5-79968139-T-C.
Other names: short protein forms L290P.
Identifiers: ClinVar variation 2107233 (VCV002107233.4), dbSNP rs2546722437, ClinGen allele CA360267221.

ClinVar aggregate classification (germline): Uncertain significance (1 of 4 stars; one submission).

Submission:

Labcorp Genetics (formerly Invitae), Labcorp
Classification: Uncertain significance. Last evaluated: 2022-03-05. Review status: criteria provided, single submitter. Criteria: Invitae Variant Classification Sherloc (09022015). Collection method: clinical testing. Allele origin: germline.
Comment: This variant is not present in population databases (gnomAD no frequency). In summary, the available evidence is currently insufficient to determine the role of this variant in disease. Therefore, it has been classified as a Variant of Uncertain Significance. Algorithms developed to predict the effect of missense changes on protein structure and function (SIFT, PolyPhen-2, Align-GVGD) all suggest that this variant is likely to be disruptive. This variant has not been reported in the literature in individuals affected with MSH3-related conditions. This sequence change replaces leucine, which is neutral and non-polar, with proline, which is neutral and non-polar, at codon 290 of the MSH3 protein (p.Leu290Pro).